The following is an entry in ClinVar:

ClinVar aggregate classification (germline): Uncertain significance (1 of 4 stars; one submission).

Conditions:
Hereditary breast ovarian cancer syndrome. Also called: Hereditary breast and ovarian cancer syndrome (HBOC); Hereditary breast and ovarian cancer; BRCA1- and BRCA2-Associated Hereditary Breast and Ovarian Cancer; Hereditary breast and ovarian cancer syndrome; Hereditary breast and/or ovarian cancer syndrome; Breast and ovarian cancer. Identifiers: Orphanet 145, MedGen C0677776, MeSH D061325, MONDO:0003582. Disease mechanism: loss of function.

Submission:

Labcorp Genetics (formerly Invitae), Labcorp
Classification: Uncertain significance for Hereditary breast ovarian cancer syndrome. Last evaluated: 2024-04-11. Review status: criteria provided, single submitter. Criteria: Invitae Variant Classification Sherloc (09022015). Collection method: clinical testing. Allele origin: germline.
Comment: This sequence change falls in intron 8 of the BRCA2 gene. It does not directly change the encoded amino acid sequence of the BRCA2 protein. It affects a nucleotide within the consensus splice site. This variant is not present in population databases (gnomAD no frequency). This variant has not been reported in the literature in individuals affected with BRCA2-related conditions. Variants that disrupt the consensus splice site are a relatively common cause of aberrant splicing (PMID: 17576681, 9536098). Algorithms developed to predict the effect of sequence changes on RNA splicing suggest that this variant may disrupt the consensus splice site. In summary, the available evidence is currently insufficient to determine the role of this variant in disease. Therefore, it has been classified as a Variant of Uncertain Significance.

Literature cited by the submitters: PubMed 17576681; PubMed 9536098.

NM_000059.4(BRCA2):c.681+3A>C

Gene: BRCA2 (BRCA2 DNA repair associated; plus strand). Cytogenetic location: 13q13.1.
Variant type: single nucleotide variant.
Coding change: c.681+3A>C on transcript NM_000059.4 (MANE Select); 3 bases into the intron after coding-DNA position 681, A replaced by C.
Molecular consequence: intron variant.
Genome position (GRCh38, 1-based): chr13:32,329,495, A>C. VCF-style: chr13-32329495-A-C. GRCh37 (hg19) VCF-style: chr13-32903632-A-C.
Other names: c.681+3A>C (NM_001432077.1, NM_001406720.1, NM_001406719.1 and 1 more transcripts); c.312+3A>C (NM_001406722.1).
Identifiers: ClinVar variation 3649561 (VCV003649561.2).